The following is an entry in ClinVar:

ClinVar aggregate classification (germline): Uncertain significance. Review status: criteria provided, single submitter (1 of 4 stars). 2 submissions from 2 submitters: Uncertain significance (1). 1 of the submissions does not count toward it. Last evaluated 2025-12-21.

Conditions:
CDK13-related disorder. Also called: CDK13-related condition. Identifiers: MedGen C5816700.

Submissions (2):

Labcorp Genetics (formerly Invitae), Labcorp
Classification: Uncertain significance. Last evaluated: 2025-12-21. Review status: criteria provided, single submitter. Criteria: Invitae Variant Classification Sherloc (09022015). Collection method: clinical testing. Allele origin: germline.
Comment: This variant, c.501_509dup, results in the insertion of 3 amino acid(s) of the CDK13 protein (p.Thr169_Ala171dup), but otherwise preserves the integrity of the reading frame. This variant is present in population databases (no rsID available, gnomAD 0.007%). This variant has not been reported in the literature in individuals affected with CDK13-related conditions. ClinVar contains an entry for this variant (Variation ID: 3352377). In summary, the available evidence is currently insufficient to determine the role of this variant in disease. Therefore, it has been classified as a Variant of Uncertain Significance.

PreventionGenetics, part of Exact Sciences
Classification: Uncertain significance for CDK13-related condition. Last evaluated: 2024-04-29. Review status: no assertion criteria provided. Collection method: clinical testing. Allele origin: germline. Not counted in ClinVar's aggregate classification.
Comment: The CDK13 c.501_509dup9 variant is predicted to result in an in-frame duplication (p.Thr169_Ala171dup). To our knowledge, this variant has not been reported in the literature. This variant is reported in 0.0065% of alleles in individuals of European (Non-Finnish) descent in gnomAD. At this time, the clinical significance of this variant is uncertain due to the absence of conclusive functional and genetic evidence.

NM_003718.5(CDK13):c.501_509dup (p.Ala171_Gly172insThrAlaAla)

Gene: CDK13 (cyclin dependent kinase 13; plus strand). Cytogenetic location: 7p14.1.
Variant type: Duplication.
Coding change: c.501_509dup on transcript NM_003718.5 (MANE Select); coding-DNA positions 501 to 509, 9 bases duplicated (GGCGACGGC; older notation c.501_509dupGGCGACGGC).
Protein change: p.Ala171_Gly172insThrAlaAla.
Molecular consequence: inframe indel (on NM_031267.4).
Genome position (GRCh38, 1-based): chr7:39,951,142-39,951,150, GGCGACGGC duplicated; duplicating any 9 consecutive bases within chr7:39,951,137-39,951,150 gives the same sequence; the c. name uses the placement nearest the transcript's 3' end. VCF-style (leftmost placement, unchanged base first): chr7-39951136-A-AACGGCGGCG. GRCh37 (hg19) VCF-style: chr7-39990735-A-AACGGCGGCG.
Other names: c.501_509dup, p.Ala171_Gly172insThrAlaAla (NM_031267.4).
Identifiers: ClinVar variation 3352377 (VCV003352377.2).